The following is an entry in ClinVar:

NM_032444.4(SLX4):c.5386A>G (p.Arg1796Gly)

Gene: SLX4 (SLX4 structure-specific endonuclease subunit; minus strand). Cytogenetic location: 16p13.3.
Variant type: single nucleotide variant.
Coding change: c.5386A>G on transcript NM_032444.4 (MANE Select); coding-DNA position 5386, A replaced by G.
Protein change: p.Arg1796Gly; replaces arginine 1796 with glycine.
Molecular consequence: missense variant.
Genome position (GRCh38, 1-based): chr16:3,582,461, T>C on the plus strand (A>G on the coding strand, the complement: SLX4 is on the minus strand). VCF-style: chr16-3582461-T-C. GRCh37 (hg19) VCF-style: chr16-3632462-T-C.
Other names: c.5386A>G (LRG_503t1); short protein forms R1796G.
Identifiers: ClinVar variation 456336 (VCV000456336.8), dbSNP rs770529698, ClinGen allele CA276951823.

ClinVar aggregate classification (germline): Uncertain significance (1 of 4 stars; one submission).

Conditions:
Fanconi anemia (FA). Also called: Fanconi's anemia. Identifiers: Orphanet 84, MedGen C0015625, MeSH D005199, MONDO:0019391.

Allele frequency attached by ClinVar (database versions not stated): gnomAD exomes below 0.00001; TOPMed below 0.00001; gnomAD 0.00001.
gnomAD v4.1: 3 of 1,613,894 alleles (0.00019%); highest among the groups gnomAD compares: Admixed American, 0.0017%; no homozygotes.

Submission:

Labcorp Genetics (formerly Invitae), Labcorp
Classification: Uncertain significance for Fanconi anemia. Last evaluated: 2025-04-23. Review status: criteria provided, single submitter. Criteria: Invitae Variant Classification Sherloc (09022015). Collection method: clinical testing. Allele origin: germline.
Comment: This sequence change replaces arginine, which is basic and polar, with glycine, which is neutral and non-polar, at codon 1796 of the SLX4 protein (p.Arg1796Gly). This variant is not present in population databases (gnomAD no frequency). This variant has not been reported in the literature in individuals affected with SLX4-related conditions. ClinVar contains an entry for this variant (Variation ID: 456336). An algorithm developed to predict the effect of missense changes on protein structure and function (PolyPhen-2) suggests that this variant is likely to be tolerated. In summary, the available evidence is currently insufficient to determine the role of this variant in disease. Therefore, it has been classified as a Variant of Uncertain Significance.